The following is an entry in ClinVar:

ClinVar aggregate classification (germline): Uncertain significance (1 of 4 stars; one submission).

Allele frequency attached by ClinVar (database versions not stated): ExAC 0.00001; gnomAD 0.00001; gnomAD exomes 0.00001; 1000 Genomes Project 30x 0.00016; 1000 Genomes Project 0.00020.
gnomAD v4.1: 8 of 1,612,756 alleles (0.0005%); highest among the groups gnomAD compares: Admixed American, 0.0067%; no homozygotes.

Submission:

Labcorp Genetics (formerly Invitae), Labcorp
Classification: Uncertain significance. Last evaluated: 2022-07-02. Review status: criteria provided, single submitter. Criteria: Invitae Variant Classification Sherloc (09022015). Collection method: clinical testing. Allele origin: germline.
Comment: Variants that disrupt the consensus splice site are a relatively common cause of aberrant splicing (PMID: 17576681, 9536098). Algorithms developed to predict the effect of sequence changes on RNA splicing suggest that this variant is not likely to affect RNA splicing. In summary, the available evidence is currently insufficient to determine the role of this variant in disease. Therefore, it has been classified as a Variant of Uncertain Significance. This variant has not been reported in the literature in individuals affected with TRRAP-related conditions. This variant is present in population databases (rs200797422, gnomAD 0.006%). This sequence change falls in intron 70 of the TRRAP gene. It does not directly change the encoded amino acid sequence of the TRRAP protein. It affects a nucleotide within the consensus splice site.

Literature cited by the submitters: PubMed 17576681; PubMed 9536098.

NM_001375524.1(TRRAP):c.11337+4G>C

Gene: TRRAP (transformation/transcription domain associated protein; plus strand). Cytogenetic location: 7q22.1.
Variant type: single nucleotide variant.
Coding change: c.11337+4G>C on transcript NM_001375524.1 (MANE Select); 4 bases into the intron after coding-DNA position 11337, G replaced by C.
Molecular consequence: intron variant.
Genome position (GRCh38, 1-based): chr7:99,011,539, G>C. VCF-style: chr7-99011539-G-C. GRCh37 (hg19) VCF-style: chr7-98609162-G-C.
Other names: c.11295+4G>C (NM_001244580.2); c.11208+4G>C (NM_003496.4).
Identifiers: ClinVar variation 2419304 (VCV002419304.6), dbSNP rs200797422, ClinGen allele CA4362131.